The following is an entry in ClinVar:

NM_000268.4(NF2):c.469G>C (p.Val157Leu)

Gene: NF2 (NF2, moesin-ezrin-radixin like (MERLIN) tumor suppressor; plus strand). Cytogenetic location: 22q12.2.
Variant type: single nucleotide variant.
Coding change: c.469G>C on transcript NM_000268.4 (MANE Select); coding-DNA position 469, G replaced by C.
Protein change: p.Val157Leu; replaces valine 157 with leucine.
Molecular consequence: missense variant. On other transcripts: non-coding transcript variant (1), intron variant (1).
Genome position (GRCh38, 1-based): chr22:29,654,678, G>C. VCF-style: chr22-29654678-G-C. GRCh37 (hg19) VCF-style: chr22-30050667-G-C.
Other names: c.355G>C, p.Val119Leu (NM_001407053.1, NM_001407056.1); c.346G>C, p.Val116Leu (NM_001407054.1, NM_001407058.1, NM_001407062.1 and 1 more transcripts); c.343G>C, p.Val115Leu (NM_001407055.1, NM_181828.3); c.469G>C, p.Val157Leu (NM_001407057.1, NM_001407059.1, NM_001407060.1 and 4 more transcripts); c.220G>C, p.Val74Leu (NM_001407063.1, NM_001407064.1, NM_181830.3 and 1 more transcripts); c.-172G>C (NM_001407065.1); c.238G>C, p.Val80Leu (NM_001407067.1); c.447+12393G>C (NM_181833.3); short protein forms V116L, V74L, V80L, V119L, V157L, V115L.
Identifiers: ClinVar variation 2143198 (VCV002143198.4), dbSNP rs2146966674, ClinGen allele CA411142155.

ClinVar aggregate classification (germline): Uncertain significance. Review status: criteria provided, multiple submitters, no conflicts (2 of 4 stars). 2 submissions from 2 submitters: Uncertain significance (2). Last evaluated 2024-10-25.

Conditions:
Familial meningioma. Also called: Meningioma, familial, susceptibility to. Identifiers: Orphanet 263662, MedGen C3551915, MONDO:0011789, OMIM 607174.
Neurofibromatosis, type 2 (SWNV). Also called: SCHWANNOMATOSIS, VESTIBULAR; BILATERAL ACOUSTIC NEUROFIBROMATOSIS; NF2-Related Schwannomatosis. Identifiers: Orphanet 637, MedGen C0027832, MONDO:0007039, OMIM 101000. Disease mechanism: loss of function.

Submissions (2):

Labcorp Genetics (formerly Invitae), Labcorp
Classification: Uncertain significance for Neurofibromatosis, type 2. Last evaluated: 2024-10-25. Review status: criteria provided, single submitter. Criteria: Invitae Variant Classification Sherloc (09022015). Collection method: clinical testing. Allele origin: germline.
Comment: This sequence change replaces valine, which is neutral and non-polar, with leucine, which is neutral and non-polar, at codon 157 of the NF2 protein (p.Val157Leu). This variant is not present in population databases (gnomAD no frequency). This variant has not been reported in the literature in individuals affected with NF2-related conditions. ClinVar contains an entry for this variant (Variation ID: 2143198). Invitae Evidence Modeling of protein sequence and biophysical properties (such as structural, functional, and spatial information, amino acid conservation, physicochemical variation, residue mobility, and thermodynamic stability) indicates that this missense variant is not expected to disrupt NF2 protein function with a negative predictive value of 80%. In summary, the available evidence is currently insufficient to determine the role of this variant in disease. Therefore, it has been classified as a Variant of Uncertain Significance.

Baylor Genetics
Classification: Uncertain significance for Familial meningioma. Last evaluated: 2023-11-20. Review status: criteria provided, single submitter. Criteria: ACMG Guidelines, 2015. Collection method: clinical testing. Allele origin: unknown.